The following is an entry in ClinVar:

NM_001384474.1(LOXHD1):c.1476G>A (p.Trp492Ter)

Gene: LOXHD1 (lipoxygenase homology PLAT domains 1; minus strand). Cytogenetic location: 18q21.1.
Variant type: single nucleotide variant.
Coding change: c.1476G>A on transcript NM_001384474.1 (MANE Select); coding-DNA position 1476, G replaced by A.
Protein change: p.Trp492Ter; replaces tryptophan 492 with a stop codon.
Molecular consequence: nonsense.
Genome position (GRCh38, 1-based): chr18:46,592,540, C>T on the plus strand (G>A on the coding strand, the complement: LOXHD1 is on the minus strand). VCF-style: chr18-46592540-C-T. GRCh37 (hg19) VCF-style: chr18-44172503-C-T.
Other names: c.1476G>A, p.Trp492Ter (NM_144612.7); short protein forms W492*.
Identifiers: ClinVar variation 2979514 (VCV002979514.3), dbSNP rs369682197, ClinGen allele CA8952793.
Genomic context (GRCh38, chr18:46,592,540, plus strand): 5'-CAAGATGGTGCATCTCACCCTTTCTAAATGCCATCCAGAACCAGAACTCCTTTTATCATG[C>T]CATACTCGAATCTTATAAAACCTGCCAAGATCCGGGAGCTCAATCTATGGTGAGAAATAA-3'

ClinVar aggregate classification (germline): Pathogenic (1 of 4 stars; one submission).

gnomAD v4.1: 2 of 1,551,642 alleles (0.00013%); highest among the groups gnomAD compares: Non-Finnish European, 0.00017%; no homozygotes.

Submission:

Labcorp Genetics (formerly Invitae), Labcorp
Classification: Pathogenic. Last evaluated: 2023-03-01. Review status: criteria provided, single submitter. Criteria: Invitae Variant Classification Sherloc (09022015). Collection method: clinical testing. Allele origin: germline.
Comment: For these reasons, this variant has been classified as Pathogenic. This variant has not been reported in the literature in individuals affected with LOXHD1-related conditions. This variant is present in population databases (rs369682197, gnomAD 0.004%). This sequence change creates a premature translational stop signal (p.Trp492*) in the LOXHD1 gene. It is expected to result in an absent or disrupted protein product. Loss-of-function variants in LOXHD1 are known to be pathogenic (PMID: 19732867, 21465660, 25792669).

Literature cited by the submitters: PubMed 19732867; PubMed 21465660; PubMed 25792669.